The following is an entry in ClinVar:

NM_001384732.1(CPLANE1):c.7080G>A (p.Pro2360=)

Gene: CPLANE1 (ciliogenesis and planar polarity effector complex subunit 1; minus strand). Cytogenetic location: 5p13.2.
Variant type: single nucleotide variant.
Coding change: c.7080G>A on transcript NM_001384732.1 (MANE Select); coding-DNA position 7080, G replaced by A.
Protein change: p.Pro2360=; no amino-acid change (proline 2360 retained).
Molecular consequence: synonymous variant.
Genome position (GRCh38, 1-based): chr5:37,168,944, C>T on the plus strand (G>A on the coding strand, the complement: CPLANE1 is on the minus strand). VCF-style: chr5-37168944-C-T. GRCh37 (hg19) VCF-style: chr5-37169046-C-T.
Other names: c.7080G>A, p.Pro2360= (NM_023073.4).
Identifiers: ClinVar variation 385840 (VCV000385840.10), dbSNP rs769298457, ClinGen allele CA3238142.

ClinVar aggregate classification (germline): Likely benign. Review status: criteria provided, multiple submitters, no conflicts (2 of 4 stars). 4 submissions from 4 submitters: Likely benign (4). Last evaluated 2025-08-24.

Conditions:
Orofaciodigital syndrome type 6 (OFD6). Also called: Oral-facial-digital syndrome type 6; Central polydactyly cleft lip/palate or lingual lump and psychomotor retardation; Y-shaped central metacarpal and cerebellar defect; Joubert syndrome with orofacialdigital anomalies; OROFACIODIGITAL SYNDROME VI; OFDS VI. Identifiers: Orphanet 2754, MedGen C2745997, MONDO:0010176, OMIM 277170.
Joubert syndrome 17 (JBTS17). Identifiers: Orphanet 475, MedGen C3553264, MONDO:0013824, OMIM 614615.

Allele frequency attached by ClinVar (database versions not stated): ExAC 0.00002; gnomAD exomes 0.00002 and 0.00003; gnomAD 0.00003 and 0.00004; TOPMed 0.00005.
gnomAD v4.1: 39 of 1,613,928 alleles (0.0024%); highest among the groups gnomAD compares: South Asian, 0.0077%; no homozygotes.

Submissions (4):

Labcorp Genetics (formerly Invitae), Labcorp
Classification: Likely benign. Last evaluated: 2025-08-24. Review status: criteria provided, single submitter. Criteria: Invitae Variant Classification Sherloc (09022015). Collection method: clinical testing. Allele origin: germline.

Blueprint Genetics
Classification: Likely benign. Last evaluated: 2024-01-05. Review status: criteria provided, single submitter. Criteria: ACMG Guidelines, 2015. Collection method: clinical testing. Allele origin: germline.

Fulgent Genetics
Classification: Likely benign for Orofaciodigital syndrome type 6; Joubert syndrome 17. Last evaluated: 2021-12-05. Review status: criteria provided, single submitter. Criteria: ACMG Guidelines, 2015. Collection method: clinical testing. Allele origin: unknown.

GeneDx
Classification: Likely benign. Last evaluated: 2016-05-06. Review status: criteria provided, single submitter. Criteria: GeneDx Variant Classification (06012015). Collection method: clinical testing. Allele origin: germline. Affected: yes.
Comment: This variant is considered likely benign or benign based on one or more of the following criteria: it is a conservative change, it occurs at a poorly conserved position in the protein, it is predicted to be benign by multiple in silico algorithms, and/or has population frequency not consistent with disease.